The following is an entry in ClinVar:

ClinVar aggregate classification (germline): Uncertain significance (1 of 4 stars; one submission).

Conditions:
Hereditary diffuse gastric adenocarcinoma (HDGC). Also called: DIFFUSE GASTRIC AND LOBULAR BREAST CANCER SYNDROME. Identifiers: Orphanet 26106, MedGen C1708349, MONDO:0007648, OMIM 137215.

Submission:

Labcorp Genetics (formerly Invitae), Labcorp
Classification: Uncertain significance for Hereditary diffuse gastric adenocarcinoma. Last evaluated: 2025-07-23. Review status: criteria provided, single submitter. Criteria: Invitae Variant Classification Sherloc (09022015). Collection method: clinical testing. Allele origin: germline.
Comment: This sequence change replaces lysine, which is basic and polar, with asparagine, which is neutral and polar, at codon 109 of the CDH1 protein (p.Lys109Asn). This variant is not present in population databases (gnomAD no frequency). This variant has not been reported in the literature in individuals affected with CDH1-related conditions. An algorithm developed to predict the effect of missense changes on protein structure and function (PolyPhen-2) suggests that this variant is likely to be disruptive. In summary, the available evidence is currently insufficient to determine the role of this variant in disease. Therefore, it has been classified as a Variant of Uncertain Significance.

NM_004360.5(CDH1):c.327G>C (p.Lys109Asn)

Gene: CDH1 (cadherin 1; plus strand). Cytogenetic location: 16q22.1.
Variant type: single nucleotide variant.
Coding change: c.327G>C on transcript NM_004360.5 (MANE Select); coding-DNA position 327, G replaced by C.
Protein change: p.Lys109Asn; replaces lysine 109 with asparagine.
Molecular consequence: missense variant. On other transcripts: 5 prime UTR variant (2).
Genome position (GRCh38, 1-based): chr16:68,801,833, G>C. VCF-style: chr16-68801833-G-C. GRCh37 (hg19) VCF-style: chr16-68835736-G-C.
Other names: c.327G>C, p.Lys109Asn (NM_001317184.2); c.-1289G>C (NM_001317185.2); c.-1493G>C (NM_001317186.2); short protein forms K109N.
Identifiers: ClinVar variation 4803461 (VCV004803461.1).